The following is an entry in ClinVar:

NM_000051.4(ATM):c.1555G>T (p.Val519Phe)

Gene: ATM (ATM serine/threonine kinase; plus strand). Cytogenetic location: 11q22.3.
Variant type: single nucleotide variant.
Coding change: c.1555G>T on transcript NM_000051.4 (MANE Select); coding-DNA position 1555, G replaced by T.
Protein change: p.Val519Phe; replaces valine 519 with phenylalanine.
Molecular consequence: missense variant.
Genome position (GRCh38, 1-based): chr11:108,251,020, G>T. VCF-style: chr11-108251020-G-T. GRCh37 (hg19) VCF-style: chr11-108121747-G-T.
Other names: c.1555G>T, p.Val519Phe (NM_001351834.2); short protein forms V519F.
Identifiers: ClinVar variation 578905 (VCV000578905.7), dbSNP rs758056561, ClinGen allele CA6264826.

ClinVar aggregate classification (germline): Uncertain significance. Review status: criteria provided, multiple submitters, no conflicts (2 of 4 stars). 2 submissions from 2 submitters: Uncertain significance (2). Last evaluated 2023-10-12.

Conditions:
Ataxia-telangiectasia syndrome (AT). Also called: Cerebello-oculocutaneous telangiectasia; Immunodeficiency with ataxia telangiectasia; Ataxia telangiectasia (A-T); Ataxia-telangiectasia, complementation group E; LOUIS-BAR SYNDROME; Ataxia-telangiectasia. Identifiers: Orphanet 100, MedGen C0004135, MONDO:0008840, OMIM 208900.
Hereditary cancer-predisposing syndrome. Also called: Hereditary neoplastic syndrome; Tumor predisposition; Hereditary Cancer Syndrome; Neoplastic Syndromes, Hereditary. Identifiers: Orphanet 140162, MedGen C0027672, MeSH D009386, MONDO:0015356.

Allele frequency attached by ClinVar (database versions not stated): gnomAD exomes below 0.00001; ExAC 0.00001.
gnomAD v4.1: 2 of 1,614,140 alleles (0.00012%); highest among the groups gnomAD compares: East Asian, 0.0022%; no homozygotes.

Submissions (2):

Ambry Genetics
Classification: Uncertain significance for Hereditary cancer-predisposing syndrome. Last evaluated: 2023-10-12. Review status: criteria provided, single submitter. Criteria: Ambry Variant Classification Scheme 2023. Collection method: clinical testing. Allele origin: germline.
Comment: The p.V519F variant (also known as c.1555G>T), located in coding exon 9 of the ATM gene, results from a G to T substitution at nucleotide position 1555. The valine at codon 519 is replaced by phenylalanine, an amino acid with highly similar properties. This amino acid position is conserved. In addition, this alteration is predicted to be tolerated by in silico analysis. Since supporting evidence is limited at this time, the clinical significance of this alteration remains unclear.

Labcorp Genetics (formerly Invitae), Labcorp
Classification: Uncertain significance for Ataxia-telangiectasia syndrome. Last evaluated: 2021-09-01. Review status: criteria provided, single submitter. Criteria: Invitae Variant Classification Sherloc (09022015). Collection method: clinical testing. Allele origin: germline.
Comment: This sequence change replaces valine with phenylalanine at codon 519 of the ATM protein (p.Val519Phe). The valine residue is weakly conserved and there is a small physicochemical difference between valine and phenylalanine. This variant is present in population databases (rs758056561, ExAC 0.01%). This variant has not been reported in the literature in individuals affected with ATM-related conditions. Algorithms developed to predict the effect of missense changes on protein structure and function output the following: SIFT: "Tolerated"; PolyPhen-2: "Benign"; Align-GVGD: "Class C0". The phenylalanine amino acid residue is found in multiple mammalian species, which suggests that this missense change does not adversely affect protein function. In summary, the available evidence is currently insufficient to determine the role of this variant in disease. Therefore, it has been classified as a Variant of Uncertain Significance.